The following is an entry in ClinVar:

NM_000553.6(WRN):c.2158C>A (p.Leu720Met)

Gene: WRN (WRN RecQ like helicase; plus strand). Cytogenetic location: 8p12.
Variant type: single nucleotide variant.
Coding change: c.2158C>A on transcript NM_000553.6 (MANE Select); coding-DNA position 2158, C replaced by A.
Protein change: p.Leu720Met; replaces leucine 720 with methionine.
Molecular consequence: missense variant.
Genome position (GRCh38, 1-based): chr8:31,111,684, C>A. VCF-style: chr8-31111684-C-A. GRCh37 (hg19) VCF-style: chr8-30969200-C-A.
Other names: short protein forms L720M.
Identifiers: ClinVar variation 528169 (VCV000528169.6), dbSNP rs920563936, ClinGen allele CA370912611.

ClinVar aggregate classification (germline): Uncertain significance (1 of 4 stars; one submission).

Conditions:
Werner syndrome (WRN). Identifiers: Orphanet 902, MedGen C0043119, MONDO:0010196, OMIM 277700.

Allele frequency attached by ClinVar (database versions not stated): TOPMed 0.00001.

Submission:

Labcorp Genetics (formerly Invitae), Labcorp
Classification: Uncertain significance for Werner syndrome. Last evaluated: 2023-04-14. Review status: criteria provided, single submitter. Criteria: Invitae Variant Classification Sherloc (09022015). Collection method: clinical testing. Allele origin: germline.
Comment: In summary, the available evidence is currently insufficient to determine the role of this variant in disease. Therefore, it has been classified as a Variant of Uncertain Significance. An algorithm developed to predict the effect of missense changes on protein structure and function (PolyPhen-2) suggests that this variant is likely to be disruptive. ClinVar contains an entry for this variant (Variation ID: 528169). This variant has not been reported in the literature in individuals affected with WRN-related conditions. This variant is not present in population databases (gnomAD no frequency). This sequence change replaces leucine, which is neutral and non-polar, with methionine, which is neutral and non-polar, at codon 720 of the WRN protein (p.Leu720Met).